The following is an entry in ClinVar:

NM_001142800.2(EYS):c.676G>A (p.Gly226Ser)

Gene: EYS (eyes shut homolog; minus strand). Cytogenetic location: 6q12.
Variant type: single nucleotide variant.
Coding change: c.676G>A on transcript NM_001142800.2 (MANE Select); coding-DNA position 676, G replaced by A.
Protein change: p.Gly226Ser; replaces glycine 226 with serine.
Molecular consequence: missense variant.
Genome position (GRCh38, 1-based): chr6:65,494,735, C>T on the plus strand (G>A on the coding strand, the complement: EYS is on the minus strand). VCF-style: chr6-65494735-C-T. GRCh37 (hg19) VCF-style: chr6-66204628-C-T.
Other names: c.676G>A, p.Gly226Ser (NM_001142801.2, NM_001292009.2, NM_198283.2); short protein forms G226S.
Identifiers: ClinVar variation 1004471 (VCV001004471.2), dbSNP rs1766178015, ClinGen allele CA364789385.

ClinVar aggregate classification (germline): Uncertain significance (1 of 4 stars; one submission).

Allele frequency attached by ClinVar (database versions not stated): TOPMed below 0.00001.

Submission:

Labcorp Genetics (formerly Invitae), Labcorp
Classification: Uncertain significance. Last evaluated: 2021-09-01. Review status: criteria provided, single submitter. Criteria: Invitae Variant Classification Sherloc (09022015). Collection method: clinical testing. Allele origin: germline.
Comment: This sequence change replaces glycine with serine at codon 226 of the EYS protein (p.Gly226Ser). The glycine residue is moderately conserved and there is a small physicochemical difference between glycine and serine. This variant is not present in population databases (ExAC no frequency). This variant has not been reported in the literature in individuals affected with EYS-related conditions. Algorithms developed to predict the effect of missense changes on protein structure and function output the following: SIFT: "Tolerated"; PolyPhen-2: "Probably Damaging"; Align-GVGD: "Class C0". The serine amino acid residue is found in multiple mammalian species, which suggests that this missense change does not adversely affect protein function. In summary, the available evidence is currently insufficient to determine the role of this variant in disease. Therefore, it has been classified as a Variant of Uncertain Significance.